The following is an entry in ClinVar:

NM_001376.5(DYNC1H1):c.1930G>T (p.Val644Leu)

Gene: DYNC1H1 (dynein cytoplasmic 1 heavy chain 1; plus strand). Cytogenetic location: 14q32.31.
Variant type: single nucleotide variant.
Coding change: c.1930G>T on transcript NM_001376.5 (MANE Select); coding-DNA position 1930, G replaced by T.
Protein change: p.Val644Leu; replaces valine 644 with leucine.
Molecular consequence: missense variant.
Genome position (GRCh38, 1-based): chr14:101,986,155, G>T. VCF-style: chr14-101986155-G-T. GRCh37 (hg19) VCF-style: chr14-102452492-G-T.
Other names: short protein forms V644L.
Identifiers: ClinVar variation 2724919 (VCV002724919.3), dbSNP rs2047934281, ClinGen allele CA391019974.

ClinVar aggregate classification (germline): Uncertain significance (1 of 4 stars; one submission).

Conditions:
Charcot-Marie-Tooth disease axonal type 2O. Also called: Charcot-Marie-Tooth disease, axonal, type 20; CHARCOT-MARIE-TOOTH NEUROPATHY, AXONAL, TYPE 2O; CHARCOT-MARIE-TOOTH DISEASE, AXONAL, AUTOSOMAL DOMINANT, TYPE 2O; Charcot-Marie-Tooth Neuropathy Type 2O. Identifiers: Orphanet 284232, MedGen C3280220, MONDO:0013644, OMIM 614228.

Allele frequency attached by ClinVar (database versions not stated): TOPMed below 0.00001; gnomAD 0.00001.
gnomAD v4.1: 1 of 1,614,090 alleles (0.000062%); highest among the groups gnomAD compares: African/African-American, 0.0013%; no homozygotes.

Submission:

Labcorp Genetics (formerly Invitae), Labcorp
Classification: Uncertain significance for Charcot-Marie-Tooth disease axonal type 2O. Last evaluated: 2023-05-25. Review status: criteria provided, single submitter. Criteria: Invitae Variant Classification Sherloc (09022015). Collection method: clinical testing. Allele origin: germline.
Comment: In summary, the available evidence is currently insufficient to determine the role of this variant in disease. Therefore, it has been classified as a Variant of Uncertain Significance. Advanced modeling of protein sequence and biophysical properties (such as structural, functional, and spatial information, amino acid conservation, physicochemical variation, residue mobility, and thermodynamic stability) has been performed at Invitae for this missense variant, however the output from this modeling did not meet the statistical confidence thresholds required to predict the impact of this variant on DYNC1H1 protein function. This variant has not been reported in the literature in individuals affected with DYNC1H1-related conditions. This variant is not present in population databases (gnomAD no frequency). This sequence change replaces valine, which is neutral and non-polar, with leucine, which is neutral and non-polar, at codon 644 of the DYNC1H1 protein (p.Val644Leu).